The following is an entry in ClinVar:

NM_000340.2(SLC2A2):c.*234C>A

Gene: SLC2A2 (solute carrier family 2 member 2; minus strand). Cytogenetic location: 3q26.2.
Variant type: single nucleotide variant.
Coding change: c.*234C>A on transcript NM_000340.2 (MANE Select); 234 bases downstream of the stop codon, C replaced by A.
Molecular consequence: 3 prime UTR variant.
Genome position (GRCh38, 1-based): chr3:170,997,669, G>T on the plus strand (C>A on the coding strand, the complement: SLC2A2 is on the minus strand). VCF-style: chr3-170997669-G-T. GRCh37 (hg19) VCF-style: chr3-170715458-G-T.
Other names: c.*234C>A (NM_001278658.2, NM_001278659.2).
Identifiers: ClinVar variation 344154 (VCV000344154.9), dbSNP rs79424762, ClinGen allele CA10617989.

ClinVar aggregate classification (germline): Benign/Likely benign. Review status: criteria provided, multiple submitters, no conflicts (2 of 4 stars). 3 submissions from 3 submitters: Benign (1); Likely benign (2). Last evaluated 2018-06-23.

Conditions:
Fanconi-Bickel syndrome (FBS). Also called: HEPATIC GLYCOGENOSIS WITH FANCONI NEPHROPATHY; HEPATORENAL GLYCOGENOSIS WITH RENAL FANCONI SYNDROME; PSEUDO-PHLORIZIN DIABETES; Glycogen storage disease due to GLUT2 deficiency; FANCONI SYNDROME WITH INTESTINAL MALABSORPTION AND GALACTOSE INTOLERANCE; HEPATIC GLYCOGENOSIS WITH AMINO ACIDURIA AND GLUCOSURIA. Identifiers: Orphanet 2088, MedGen C3495427, MONDO:0009216, OMIM 227810.

Allele frequency attached by ClinVar (database versions not stated): 1000 Genomes Project 0.01138; 1000 Genomes Project 30x 0.01218; TOPMed 0.02473; gnomAD 0.02616 and 0.02686; gnomAD exomes 0.03134.
gnomAD v4.1: 15,407 of 519,836 alleles (3%); highest among the groups gnomAD compares: Non-Finnish European, 4.2%; 321 homozygotes.

Submissions (3):

GeneDx
Classification: Likely benign. Last evaluated: 2018-06-23. Review status: criteria provided, single submitter. Criteria: GeneDx Variant Classification Process June 2021. Collection method: clinical testing. Allele origin: germline. Affected: yes.

Illumina Laboratory Services, Illumina
Classification: Benign for Fanconi-Bickel syndrome. Last evaluated: 2018-01-13. Review status: criteria provided, single submitter. Criteria: ICSL Variant Classification Criteria 13 December 2019. Collection method: clinical testing. Allele origin: germline.
Comment: This variant was observed in the ICSL laboratory as part of a predisposition screen in an ostensibly healthy population. It had not been previously curated by ICSL or reported in the Human Gene Mutation Database (HGMD: prior to June 1st, 2018), and was therefore a candidate for classification through an automated scoring system. Utilizing variant allele frequency, disease prevalence and penetrance estimates, and inheritance mode, an automated score was calculated to assess if this variant is too frequent to cause the disease. Based on the score and internal cut-off values, a variant classified as benign is not then subjected to further curation. The score for this variant resulted in a classification of benign for this disease.

Breakthrough Genomics
Classification: Likely benign. Review status: criteria provided, single submitter. Criteria: ACMG Guidelines, 2015. Collection method: not provided. Allele origin: germline. Inheritance: Autosomal recessive inheritance. Affected: yes.